The following is an entry in ClinVar:

NM_020975.6(RET):c.2029C>A (p.Arg677=)

Gene: RET (ret proto-oncogene; plus strand). Cytogenetic location: 10q11.21.
Variant type: single nucleotide variant.
Coding change: c.2029C>A on transcript NM_020975.6 (MANE Select); coding-DNA position 2029, C replaced by A.
Protein change: p.Arg677=; no amino-acid change (arginine 677 retained).
Molecular consequence: synonymous variant.
Genome position (GRCh38, 1-based): chr10:43,114,629, C>A. VCF-style: chr10-43114629-C-A. GRCh37 (hg19) VCF-style: chr10-43610077-C-A.
Other names: c.2029C>A, p.Arg677= (NM_000323.2, NM_001406743.1, NM_001406744.1 and 4 more transcripts); c.1267C>A, p.Arg423= (NM_001355216.2); c.1900C>A, p.Arg634= (NM_001406761.1, NM_001406762.1, NM_001406764.1); c.1894C>A, p.Arg632= (NM_001406763.1, NM_001406765.1); c.1741C>A, p.Arg581= (NM_001406766.1, NM_001406767.1, NM_001406770.1); c.1765C>A, p.Arg589= (NM_001406768.1); c.1633C>A, p.Arg545= (NM_001406769.1, NM_001406772.1); c.1591C>A, p.Arg531= (NM_001406771.1, NM_001406773.1); and 10 more.
Identifiers: ClinVar variation 1691914 (VCV001691914.9), dbSNP rs1432069386, ClinGen allele CA469479875.

ClinVar aggregate classification (germline): Benign/Likely benign. Review status: criteria provided, multiple submitters, no conflicts (2 of 4 stars). 5 submissions from 5 submitters: Benign (1); Likely benign (4). Last evaluated 2025-10-06.

Conditions:
Hereditary cancer-predisposing syndrome. Also called: Hereditary Cancer Syndrome; Hereditary neoplastic syndrome; Neoplastic Syndromes, Hereditary; Tumor predisposition. Identifiers: Orphanet 140162, MedGen C0027672, MeSH D009386, MONDO:0015356.
Multiple endocrine neoplasia, type 2 (MEN2). Identifiers: Orphanet 653, MedGen C4048306, MONDO:0019003. Disease mechanism: gain of function.
Multiple endocrine neoplasia type 2A. Also called: MULTIPLE ENDOCRINE NEOPLASIA, TYPE IIA; PTC SYNDROME; SIPPLE SYNDROME; MEN 2A; MEN-2A syndrome; Pheochromocytoma and amyloid producing medullary thyroid carcinoma. Identifiers: Orphanet 247698, Orphanet 653, MedGen C0025268, MeSH D018813, MONDO:0008234, OMIM 171400.

gnomAD v4.1: 1 of 1,613,046 alleles (0.000062%); highest among the groups gnomAD compares: Admixed American, 0.0017%; no homozygotes.

Submissions (5):

Labcorp Genetics (formerly Invitae), Labcorp
Classification: Likely benign for Multiple endocrine neoplasia, type 2. Last evaluated: 2025-10-06. Review status: criteria provided, single submitter. Criteria: Invitae Variant Classification Sherloc (09022015). Collection method: clinical testing. Allele origin: germline.

Color Diagnostics, LLC DBA Color Health
Classification: Likely benign for Multiple endocrine neoplasia, type 2. Last evaluated: 2025-07-20. Review status: criteria provided, single submitter. Criteria: ACMG Guidelines, 2015. Collection method: clinical testing. Allele origin: germline.

Myriad Genetics, Inc.
Classification: Benign for Multiple endocrine neoplasia type 2A. Last evaluated: 2025-02-26. Review status: criteria provided, single submitter. Criteria: Myriad Autosomal Dominant, Autosomal Recessive and X-Linked Classification Criteria (2023). Collection method: clinical testing. Allele origin: unknown.
Comment: This variant is considered benign. This variant is a silent/synonymous amino acid change and it is not expected to impact splicing.

Sema4
Classification: Likely benign for Hereditary cancer-predisposing syndrome. Last evaluated: 2022-02-14. Review status: criteria provided, single submitter. Criteria: Sema4 Curation Guidelines. Collection method: curation. Allele origin: germline.

Ambry Genetics
Classification: Likely benign for Hereditary cancer-predisposing syndrome. Last evaluated: 2020-01-21. Review status: criteria provided, single submitter. Criteria: Ambry Variant Classification Scheme 2023. Collection method: clinical testing. Allele origin: germline.